The following is an entry in ClinVar:

ClinVar aggregate classification (germline): Uncertain significance. Review status: criteria provided, multiple submitters, no conflicts (2 of 4 stars). 2 submissions from 2 submitters: Uncertain significance (2). Last evaluated 2025-04-10.

Conditions:
Hereditary cancer-predisposing syndrome. Also called: Neoplastic Syndromes, Hereditary; Tumor predisposition; Hereditary Cancer Syndrome; Hereditary neoplastic syndrome. Identifiers: Orphanet 140162, MedGen C0027672, MeSH D009386, MONDO:0015356.
Familial cancer of breast. Also called: BREAST CANCER, FAMILIAL; hereditary breast carcinoma; Hereditary breast cancer. Identifiers: Orphanet 227535, MedGen C0346153, MONDO:0016419, OMIM 114480. Disease mechanism: loss of function.

gnomAD v4.1: 1 of 1,614,042 alleles (0.000062%); no homozygotes.

Submissions (2):

Ambry Genetics
Classification: Uncertain significance for Hereditary cancer-predisposing syndrome. Last evaluated: 2025-04-10. Review status: criteria provided, single submitter. Criteria: Ambry Variant Classification Scheme 2023. Collection method: clinical testing. Allele origin: germline.
Comment: The p.E173K variant (also known as c.517G>A), located in coding exon 3 of the CHEK2 gene, results from a G to A substitution at nucleotide position 517. The glutamic acid at codon 173 is replaced by lysine, an amino acid with similar properties. This amino acid position is well conserved in available vertebrate species. In addition, the in silico prediction for this alteration is inconclusive. Since supporting evidence is limited at this time, the clinical significance of this alteration remains unclear.

Labcorp Genetics (formerly Invitae), Labcorp
Classification: Uncertain significance for Familial cancer of breast. Last evaluated: 2022-11-18. Review status: criteria provided, single submitter. Criteria: Invitae Variant Classification Sherloc (09022015). Collection method: clinical testing. Allele origin: germline.
Comment: In summary, the available evidence is currently insufficient to determine the role of this variant in disease. Therefore, it has been classified as a Variant of Uncertain Significance. This sequence change replaces glutamic acid, which is acidic and polar, with lysine, which is basic and polar, at codon 173 of the CHEK2 protein (p.Glu173Lys). This variant is not present in population databases (gnomAD no frequency). This variant has not been reported in the literature in individuals affected with CHEK2-related conditions. ClinVar contains an entry for this variant (Variation ID: 232499). Algorithms developed to predict the effect of missense changes on protein structure and function (SIFT, PolyPhen-2, Align-GVGD) all suggest that this variant is likely to be tolerated.

NM_007194.4(CHEK2):c.517G>A (p.Glu173Lys)

Gene: CHEK2 (checkpoint kinase 2; minus strand). Cytogenetic location: 22q12.1.
Variant type: single nucleotide variant.
Coding change: c.517G>A on transcript NM_007194.4 (MANE Select); coding-DNA position 517, G replaced by A.
Protein change: p.Glu173Lys; replaces glutamic acid 173 with lysine.
Molecular consequence: missense variant. On other transcripts: 5 prime UTR variant (2), intron variant (1).
Genome position (GRCh38, 1-based): chr22:28,725,052, C>T on the plus strand (G>A on the coding strand, the complement: CHEK2 is on the minus strand). VCF-style: chr22-28725052-C-T. GRCh37 (hg19) VCF-style: chr22-29121040-C-T.
Other names: c.646G>A, p.Glu216Lys (NM_001005735.3, NM_001438294.1); c.-261G>A (NM_001257387.3); c.-147G>A (NM_001437942.1); c.610G>A, p.Glu204Lys (NM_001438293.1, NM_001438295.1); c.517G>A, p.Glu173Lys (NM_145862.3); c.445-129G>A (NM_001349956.3); short protein forms E173K, E216K, E204K.
Identifiers: ClinVar variation 232499 (VCV000232499.16), dbSNP rs876659804, ClinGen allele CA10581088.